The following is an entry in ClinVar:

ClinVar aggregate classification (germline): Pathogenic/Likely pathogenic. Review status: criteria provided, multiple submitters, no conflicts (2 of 4 stars). 3 submissions from 3 submitters: Pathogenic (1); Likely pathogenic (2). Last evaluated 2024-04-12.

Conditions:
Oculocutaneous albinism type 1A (OCA1A). Also called: Albinism, oculocutaneous, type IA. Identifiers: Orphanet 352731, Orphanet 79431, MedGen C4551504, MONDO:0008745, OMIM 203100. Disease mechanism: loss of function.
Oculocutaneous albinism type 1B (OCA1B). Also called: YELLOW ALBINISM; ALBINISM, OCULOCUTANEOUS, TYPE IB; ALBINISM, YELLOW MUTANT TYPE. Identifiers: Orphanet 352731, Orphanet 352737, Orphanet 79434, MedGen C1847024, MONDO:0011749, OMIM 606952.
SKIN/HAIR/EYE PIGMENTATION 3, LIGHT/DARK SKIN (SHEP3). Also called: EYE COLOR 1; EYE COLOR, GREEN/BLUE; SKIN/HAIR/EYE PIGMENTATION 3, BLUE/GREEN EYE COLOR; SKIN/HAIR/EYE PIGMENTATION 3, FRECKLING; SKIN/HAIR/EYE PIGMENTATION, VARIATION IN, 3. Identifiers: MedGen C2677190, OMIM 601800.

Submissions (3):

Fulgent Genetics
Classification: Likely pathogenic for Oculocutaneous albinism type 1A; SKIN/HAIR/EYE PIGMENTATION 3, LIGHT/DARK SKIN; Oculocutaneous albinism type 1B. Last evaluated: 2024-04-12. Review status: criteria provided, single submitter. Criteria: ACMG Guidelines, 2015. Collection method: clinical testing. Allele origin: germline.

Labcorp Genetics (formerly Invitae), Labcorp
Classification: Pathogenic. Last evaluated: 2023-02-21. Review status: criteria provided, single submitter. Criteria: Invitae Variant Classification Sherloc (09022015). Collection method: clinical testing. Allele origin: germline.
Comment: This sequence change creates a premature translational stop signal (p.Ser314Profs*6) in the TYR gene. It is expected to result in an absent or disrupted protein product. Loss-of-function variants in TYR are known to be pathogenic (PMID: 23504663). This variant is present in population databases (no rsID available, gnomAD 0.008%). This variant has not been reported in the literature in individuals affected with TYR-related conditions. ClinVar contains an entry for this variant (Variation ID: 818005). For these reasons, this variant has been classified as Pathogenic.

GeneDx
Classification: Likely pathogenic. Last evaluated: 2019-02-06. Review status: criteria provided, single submitter. Criteria: GeneDx Variant Classification (06012015). Collection method: clinical testing. Allele origin: germline. Affected: yes.
Comment: The c.938_939dupCC variant in the TYR gene has not been reported previously as a pathogenic variant nor as a benign variant, to our knowledge. The c.938_939dupCC variant causes a frameshift starting with codon Serine 314, changes this amino acid to a Proline residue, and creates a premature Stop codon at position 6 of the new reading frame, denoted p.Ser314ProfsX6. This variant is predicted to cause loss of normal protein function either through protein truncation or nonsense-mediated mRNA decay. The c.938_939dupCC variant is observed in 1/16252 alleles from individuals of African background in large population cohorts (Lek et al., 2016). We interpret c.938_939dupCC as a likely pathogenic variant.

Literature cited by the submitters: PubMed 23504663 (cited by Labcorp Genetics (formerly Invitae), Labcorp).

NM_000372.5(TYR):c.938_939dup (p.Ser314fs)

Gene: TYR (tyrosinase; plus strand). Cytogenetic location: 11q14.3.
Variant type: Duplication.
Coding change: c.938_939dup on transcript NM_000372.5 (MANE Select); coding-DNA positions 938 to 939, 2 bases duplicated (CC; older notation c.938_939dupCC).
Protein change: p.Ser314fs; shifts the reading frame from serine 314.
Molecular consequence: frameshift variant.
Genome position (GRCh38, 1-based): chr11:89,191,320-89,191,321, CC duplicated; duplicating any 2 consecutive bases within chr11:89,191,318-89,191,321 gives the same sequence; the c. name uses the placement nearest the transcript's 3' end. VCF-style (leftmost placement, unchanged base first): chr11-89191317-T-TCC. GRCh37 (hg19) VCF-style: chr11-88924485-T-TCC.
Other names: short protein forms S314fs.
Identifiers: ClinVar variation 818005 (VCV000818005.5), dbSNP rs867751958, ClinGen allele CA226295678.
Genomic context (GRCh38, chr11:89,191,317, plus strand): 5'-CGCCCGAGGGACCTTTACGGCGTAATCCTGGAAACCATGACAAATCCAGAACCCCAAGGC[T>TCC]CCCCTCTTCAGCTGATGTAGAATTTTGCCTGAGTTTGACCCAATATGAATCTGGTTCCAT-3'